The following is an entry in ClinVar:

ClinVar aggregate classification (germline): Likely benign. Review status: criteria provided, single submitter (1 of 4 stars). 2 submissions from 2 submitters: Likely benign (1). 1 of the submissions does not count toward it. Last evaluated 2024-05-20.

Conditions:
KCNT1-related disorder. Also called: KCNT1-related condition.
Autosomal dominant nocturnal frontal lobe epilepsy 5. Also called: Epilepsy, nocturnal frontal lobe, 5; CILIARY DYSKINESIA, PRIMARY, 28, WITHOUT SITUS INVERSUS; CILIARY DYSKINESIA, PRIMARY, 28, WITH SITUS INVERSUS; KCNT1-Related Epilepsy. Identifiers: Orphanet 98784, MedGen C3554306, MONDO:0014002, OMIM 615005.
Developmental and epileptic encephalopathy, 14 (DEE14). Also called: Early infantile epileptic encephalopathy 14. Identifiers: Orphanet 293181, MedGen C3554195, MONDO:0013989, OMIM 614959.

Allele frequency attached by ClinVar (database versions not stated): gnomAD 0.00001; gnomAD exomes 0.00001 and 0.00002; TOPMed 0.00002; ExAC 0.00005.
gnomAD v4.1: 17 of 1,605,834 alleles (0.0011%); highest among the groups gnomAD compares: East Asian, 0.038%; no homozygotes.

Submissions (2):

Labcorp Genetics (formerly Invitae), Labcorp
Classification: Likely benign for Autosomal dominant nocturnal frontal lobe epilepsy 5; Developmental and epileptic encephalopathy, 14. Last evaluated: 2024-05-20. Review status: criteria provided, single submitter. Criteria: Invitae Variant Classification Sherloc (09022015). Collection method: clinical testing. Allele origin: germline.

PreventionGenetics, part of Exact Sciences
Classification: Likely benign for KCNT1-related condition. Last evaluated: 2019-08-14. Review status: no assertion criteria provided. Collection method: clinical testing. Allele origin: germline. Not counted in ClinVar's aggregate classification.
Comment: This variant is classified as likely benign based on ACMG/AMP sequence variant interpretation guidelines (Richards et al. 2015 PMID: 25741868, with internal and published modifications).

NM_020822.3(KCNT1):c.3664C>T (p.Leu1222=)

Gene: KCNT1 (potassium sodium-activated channel subfamily T member 1; plus strand). Cytogenetic location: 9q34.3.
Variant type: single nucleotide variant.
Coding change: c.3664C>T on transcript NM_020822.3 (MANE Select); coding-DNA position 3664, C replaced by T.
Protein change: p.Leu1222=; no amino-acid change (leucine 1222 retained).
Molecular consequence: synonymous variant.
Genome position (GRCh38, 1-based): chr9:135,792,117, C>T. VCF-style: chr9-135792117-C-T. GRCh37 (hg19) VCF-style: chr9-138683963-C-T.
Other names: c.3592C>T, p.Leu1198= (NM_001272003.2).
Identifiers: ClinVar variation 473395 (VCV000473395.11), dbSNP rs755694160, ClinGen allele CA5328012.